The following is an entry in ClinVar:

ClinVar aggregate classification (germline): Uncertain significance. Review status: criteria provided, multiple submitters, no conflicts (2 of 4 stars). 2 submissions from 2 submitters: Uncertain significance (2). Last evaluated 2024-12-09.

Conditions:
Inborn genetic diseases. Identifiers: MedGen C0950123, MeSH D030342.

Allele frequency attached by ClinVar (database versions not stated): gnomAD exomes 0.00001; TOPMed 0.00001.

Submissions (2):

Ambry Genetics
Classification: Uncertain significance for Inborn genetic diseases. Last evaluated: 2024-12-09. Review status: criteria provided, single submitter. Criteria: Ambry Variant Classification Scheme 2023. Collection method: clinical testing. Allele origin: germline.

Labcorp Genetics (formerly Invitae), Labcorp
Classification: Uncertain significance. Last evaluated: 2024-10-25. Review status: criteria provided, single submitter. Criteria: Invitae Variant Classification Sherloc (09022015). Collection method: clinical testing. Allele origin: germline.
Comment: This sequence change replaces cysteine, which is neutral and slightly polar, with tryptophan, which is neutral and slightly polar, at codon 1549 of the GPR179 protein (p.Cys1549Trp). This variant is present in population databases (no rsID available, gnomAD 0.007%). This variant has not been reported in the literature in individuals affected with GPR179-related conditions. ClinVar contains an entry for this variant (Variation ID: 1925550). An algorithm developed to predict the effect of missense changes on protein structure and function (PolyPhen-2) suggests that this variant is likely to be disruptive. In summary, the available evidence is currently insufficient to determine the role of this variant in disease. Therefore, it has been classified as a Variant of Uncertain Significance.

NM_001004334.4(GPR179):c.4647T>G (p.Cys1549Trp)

Gene: GPR179 (G protein-coupled receptor 179; minus strand). Cytogenetic location: 17q12.
Variant type: single nucleotide variant.
Coding change: c.4647T>G on transcript NM_001004334.4 (MANE Select); coding-DNA position 4647, T replaced by G.
Protein change: p.Cys1549Trp; replaces cysteine 1549 with tryptophan.
Molecular consequence: missense variant.
Genome position (GRCh38, 1-based): chr17:38,328,922, A>C on the plus strand (T>G on the coding strand, the complement: GPR179 is on the minus strand). VCF-style: chr17-38328922-A-C. GRCh37 (hg19) VCF-style: chr17-36484805-A-C.
Other names: c.4647T>G (NM_001004334.2); short protein forms C1549W.
Identifiers: ClinVar variation 1925550 (VCV001925550.6), dbSNP rs1308335874, ClinGen allele CA398876415.